The following is an entry in ClinVar:

NM_213720.3(CHCHD10):c.197G>A (p.Gly66Asp)

Gene: CHCHD10 (coiled-coil-helix-coiled-coil-helix domain containing 10; minus strand). Cytogenetic location: 22q11.23.
Variant type: single nucleotide variant.
Coding change: c.197G>A on transcript NM_213720.3 (MANE Select); coding-DNA position 197, G replaced by A.
Protein change: p.Gly66Asp; replaces glycine 66 with aspartic acid.
Molecular consequence: missense variant. On other transcripts: non-coding transcript variant (1).
Genome position (GRCh38, 1-based): chr22:23,767,438, C>T on the plus strand (G>A on the coding strand, the complement: CHCHD10 is on the minus strand). VCF-style: chr22-23767438-C-T. GRCh37 (hg19) VCF-style: chr22-24109625-C-T.
Other names: c.197G>A, p.Gly66Asp (NM_001301339.2); short protein forms G66D.
Identifiers: ClinVar variation 572533 (VCV000572533.9), dbSNP rs730880031, ClinGen allele CA410916186.

ClinVar aggregate classification (germline): Uncertain significance (1 of 4 stars; one submission).

Conditions:
Autosomal dominant mitochondrial myopathy with exercise intolerance (IMMD). Also called: Myopathy, isolated mitochondrial, autosomal dominant. Identifiers: Orphanet 457050, MedGen C4015513, MONDO:0014532, OMIM 616209.
Lower motor neuron syndrome with late-adult onset (SMAJ). Also called: Spinal muscular atrophy, Jokela type; Late-Onset Spinal Motor Neuronopathy (SMAJ). Identifiers: Orphanet 276435, MedGen C3554398, MONDO:0014025, OMIM 615048.
Frontotemporal dementia and/or amyotrophic lateral sclerosis 2. Also called: FTDALS2. Identifiers: Orphanet 275872, MedGen C4014648, MONDO:0014395, OMIM 615911.

gnomAD v4.1: 1 of 1,605,046 alleles (0.000062%); no homozygotes.

Submission:

Labcorp Genetics (formerly Invitae), Labcorp
Classification: Uncertain significance for Lower motor neuron syndrome with late-adult onset; Frontotemporal dementia and/or amyotrophic lateral sclerosis 2; Autosomal dominant mitochondrial myopathy with exercise intolerance. Last evaluated: 2024-05-24. Review status: criteria provided, single submitter. Criteria: Invitae Variant Classification Sherloc (09022015). Collection method: clinical testing. Allele origin: germline.
Comment: This sequence change replaces glycine, which is neutral and non-polar, with aspartic acid, which is acidic and polar, at codon 66 of the CHCHD10 protein (p.Gly66Asp). The frequency data for this variant in the population databases is considered unreliable, as metrics indicate poor data quality at this position in the gnomAD database. This variant has not been reported in the literature in individuals affected with CHCHD10-related conditions. ClinVar contains an entry for this variant (Variation ID: 572533). An algorithm developed to predict the effect of missense changes on protein structure and function (PolyPhen-2) suggests that this variant is likely to be disruptive. This variant disrupts the p.Gly66 amino acid residue in CHCHD10. Other variant(s) that disrupt this residue have been determined to be pathogenic (PMID: 25700176; Invitae). This suggests that this residue is clinically significant, and that variants that disrupt this residue are likely to be disease-causing. In summary, the available evidence is currently insufficient to determine the role of this variant in disease. Therefore, it has been classified as a Variant of Uncertain Significance.

Literature cited by the submitters: PubMed 25700176.